The following is an entry in ClinVar:

NM_000138.5(FBN1):c.6694T>A (p.Cys2232Ser)

Gene: FBN1 (fibrillin 1; minus strand). Cytogenetic location: 15q21.1.
Variant type: single nucleotide variant.
Coding change: c.6694T>A on transcript NM_000138.5 (MANE Select); coding-DNA position 6694, T replaced by A.
Protein change: p.Cys2232Ser; replaces cysteine 2232 with serine.
Molecular consequence: missense variant.
Genome position (GRCh38, 1-based): chr15:48,432,911, A>T on the plus strand (T>A on the coding strand, the complement: FBN1 is on the minus strand). VCF-style: chr15-48432911-A-T. GRCh37 (hg19) VCF-style: chr15-48725108-A-T.
Other names: c.6694T>A, p.Cys2232Ser (NM_001406716.1); short protein forms C2232S.
Identifiers: ClinVar variation 1325446 (VCV001325446.2), dbSNP rs869025411, ClinGen allele CA392333394.

ClinVar aggregate classification (germline): Pathogenic (1 of 4 stars; one submission).

Conditions:
Marfan syndrome (MFS). Also called: Marfan syndrome type 1; Marfan's syndrome; FBN1-Related Marfan Syndrome; MARFAN SYNDROME, TYPE I; Marfan syndrome, classic. Identifiers: Orphanet 284963, Orphanet 558, MedGen C0024796, MONDO:0007947, OMIM 154700.

Submission:

Centre of Medical Genetics, University of Antwerp
Classification: Pathogenic for Marfan syndrome. Last evaluated: 2021-03-01. Review status: criteria provided, single submitter. Criteria: Submitter's publication. Collection method: research. Allele origin: unknown. Affected: yes.
Comment: PM2, PVS2, PP4